The following is an entry in ClinVar:

NM_001267550.2(TTN):c.106642G>A (p.Glu35548Lys)

Genes: TTN-AS1 (TTN antisense RNA 1; plus strand), TTN (titin; minus strand). Cytogenetic location: 2q31.2.
Variant type: single nucleotide variant.
Coding change: c.106642G>A on transcript NM_001267550.2 (MANE Select); coding-DNA position 106642, G replaced by A.
Protein change: p.Glu35548Lys; replaces glutamic acid 35548 with lysine.
Molecular consequence: missense variant.
Genome position (GRCh38, 1-based): chr2:178,529,109, C>T on the plus strand (G>A on the coding strand, the complement: TTN is on the minus strand). VCF-style: chr2-178529109-C-T. GRCh37 (hg19) VCF-style: chr2-179393836-C-T.
Other names: c.101719G>A, p.Glu33907Lys (NM_001256850.1); c.79447G>A, p.Glu26483Lys (NM_003319.4); c.98938G>A, p.Glu32980Lys (NM_133378.4); c.79822G>A, p.Glu26608Lys (NM_133432.3); c.80023G>A, p.Glu26675Lys (NM_133437.4); short protein forms E26483K, E26608K, E26675K, E32980K, E33907K, E35548K.
Identifiers: ClinVar variation 3748862 (VCV003748862.2).

ClinVar aggregate classification (germline): Uncertain significance (1 of 4 stars; one submission).

Conditions:
Dilated cardiomyopathy 1G (CMD1G). Identifiers: Orphanet 154, MedGen C1858763, MONDO:0011400, OMIM 604145.
Autosomal recessive limb-girdle muscular dystrophy type 2J (LGMDR10). Also called: Limb-girdle muscular dystrophy, type 2J; MUSCULAR DYSTROPHY, LIMB-GIRDLE, AUTOSOMAL RECESSIVE 10. Identifiers: Orphanet 140922, MedGen C1837342, MONDO:0012127, OMIM 608807.

gnomAD v4.1: 8 of 1,610,446 alleles (0.0005%); highest among the groups gnomAD compares: South Asian, 0.0077%; no homozygotes.

Submission:

Labcorp Genetics (formerly Invitae), Labcorp
Classification: Uncertain significance for Dilated cardiomyopathy 1G; Autosomal recessive limb-girdle muscular dystrophy type 2J. Last evaluated: 2024-07-22. Review status: criteria provided, single submitter. Criteria: Invitae Variant Classification Sherloc (09022015). Collection method: clinical testing. Allele origin: germline.
Comment: This sequence change replaces glutamic acid, which is acidic and polar, with lysine, which is basic and polar, at codon 35548 of the TTN protein (p.Glu35548Lys). This variant is present in population databases (rs756694670, gnomAD 0.02%). This variant has not been reported in the literature in individuals affected with TTN-related conditions. Experimental studies and prediction algorithms are not available or were not evaluated, and the functional significance of this variant is currently unknown. This variant is located in the M band of TTN (PMID: 25589632). Non-truncating variants in this region may be relevant for neuromuscular disorders, but have not been definitively shown to cause cardiomyopathy (PMID: 23975875). In summary, the available evidence is currently insufficient to determine the role of this variant in disease. Therefore, it has been classified as a Variant of Uncertain Significance.

Literature cited by the submitters: PubMed 25589632; PubMed 23975875.